The following is an entry in ClinVar:

ClinVar aggregate classification (germline): Uncertain significance (1 of 4 stars; one submission).

Conditions:
Pitt-Hopkins-like syndrome 2 (PTHSL2). Identifiers: Orphanet 221150, Orphanet 600663, MedGen C3280479, MONDO:0013690, OMIM 614325.

Submission:

Labcorp Genetics (formerly Invitae), Labcorp
Classification: Uncertain significance for Pitt-Hopkins-like syndrome 2. Last evaluated: 2025-11-17. Review status: criteria provided, single submitter. Criteria: Invitae Variant Classification Sherloc (09022015). Collection method: clinical testing. Allele origin: germline.
Comment: This sequence change replaces leucine, which is neutral and non-polar, with phenylalanine, which is neutral and non-polar, at codon 1214 of the NRXN1 protein (p.Leu1214Phe). This variant is not present in population databases (gnomAD no frequency). This variant has not been reported in the literature in individuals affected with NRXN1-related conditions. Invitae Evidence Modeling of protein sequence and biophysical properties (such as structural, functional, and spatial information, amino acid conservation, physicochemical variation, residue mobility, and thermodynamic stability) indicates that this missense variant is not expected to disrupt NRXN1 protein function with a negative predictive value of 80%. In summary, the available evidence is currently insufficient to determine the role of this variant in disease. Therefore, it has been classified as a Variant of Uncertain Significance.

NM_001330078.2(NRXN1):c.3522G>T (p.Leu1174Phe)

Gene: NRXN1 (neurexin 1; minus strand). Cytogenetic location: 2p16.3.
Variant type: single nucleotide variant.
Coding change: c.3522G>T on transcript NM_001330078.2 (MANE Select); coding-DNA position 3522, G replaced by T.
Protein change: p.Leu1174Phe; replaces leucine 1174 with phenylalanine.
Molecular consequence: missense variant.
Genome position (GRCh38, 1-based): chr2:50,236,813, C>A on the plus strand (G>T on the coding strand, the complement: NRXN1 is on the minus strand). VCF-style: chr2-50236813-C-A. GRCh37 (hg19) VCF-style: chr2-50463951-C-A.
Other names: c.3642G>T, p.Leu1214Phe (NM_001135659.3); c.3498G>T, p.Leu1166Phe (NM_001330077.2, NM_001330082.2); c.3456G>T, p.Leu1152Phe (NM_001330083.2, NM_001330084.2); c.3495G>T, p.Leu1165Phe (NM_001330085.2); c.3522G>T, p.Leu1174Phe (NM_001330086.2, NM_004801.6); c.3411G>T, p.Leu1137Phe (NM_001330087.2, NM_001330096.2); c.3441G>T, p.Leu1147Phe (NM_001330088.2); c.417G>T, p.Leu139Phe (NM_001330091.2, NM_001330092.2, NM_001330097.2 and 1 more transcripts); and 3 more; short protein forms L1165F, L1166F, L139F, L1137F, L1147F, L1170F, L1173F, L1174F.
Identifiers: ClinVar variation 4740766 (VCV004740766.1).